The following is an entry in ClinVar:

NM_054012.4(ASS1):c.479T>C (p.Leu160Pro)

Gene: ASS1 (argininosuccinate synthase 1; plus strand). Cytogenetic location: 9q34.11.
Variant type: single nucleotide variant.
Coding change: c.479T>C on transcript NM_054012.4 (MANE Select); coding-DNA position 479, T replaced by C.
Protein change: p.Leu160Pro; replaces leucine 160 with proline.
Molecular consequence: missense variant.
Genome position (GRCh38, 1-based): chr9:130,466,783, T>C. VCF-style: chr9-130466783-T-C. GRCh37 (hg19) VCF-style: chr9-133342170-T-C.
Other names: c.479T>C, p.Leu160Pro (NM_000050.4); short protein forms L160P.
Identifiers: ClinVar variation 993037 (VCV000993037.2), dbSNP rs969835605, ClinGen allele CA200614135.

ClinVar aggregate classification (germline): Likely pathogenic. Review status: criteria provided, single submitter (1 of 4 stars). 2 submissions from 2 submitters: Likely pathogenic (1). 1 of the submissions does not count toward it. Last evaluated 2023-04-17.

Conditions:
Citrullinemia. Identifiers: Orphanet 187, MedGen C0175683, MONDO:0015991.
Citrullinemia type I (CTNL1). Also called: argininosuccinate synthetase deficiency; ASS DEFICIENCY. Identifiers: Orphanet 247525, MedGen C4721769, MONDO:0008988, OMIM 215700.

Submissions (2):

Women's Health and Genetics/Laboratory Corporation of America, LabCorp
Classification: Likely pathogenic for Citrullinemia. Last evaluated: 2023-04-17. Review status: criteria provided, single submitter. Criteria: LabCorp Variant Classification Summary - May 2015. Collection method: clinical testing. Allele origin: germline.
Comment: Variant summary: ASS1 c.479T>C (p.Leu160Pro) results in a non-conservative amino acid change in the encoded protein sequence. Five of five in-silico tools predict a damaging effect of the variant on protein function. The variant was absent in 251334 control chromosomes. c.479T>C has been reported in the literature in multiple homozygous individuals affected with Citrullinemia Type I (examples: Engel_2008, Diez-Fernandez_2017), including associated neonatal onset. These data indicate that the variant is very likely to be associated with disease. To our knowledge, no experimental evidence demonstrating an impact on protein function has been reported. One clinical diagnostic laboratory has submitted clinical-significance assessments for this variant to ClinVar after 2014 without evidence for independent evaluation. One laboratory classified the variant as pathogenic. Based on the evidence outlined above, the variant was classified as likely pathogenic.

Biochemical Molecular Genetic Laboratory, King Abdulaziz Medical City
Classification: Pathogenic for Citrullinemia type I. Last evaluated: 2020-10-11. Review status: no assertion criteria provided. Collection method: clinical testing. Allele origin: germline. Affected: yes. Not counted in ClinVar's aggregate classification.

Literature cited by the submitters: PubMed 19006241 (cited by Women's Health and Genetics/Laboratory Corporation of America, LabCorp); PubMed 28111830 (cited by Women's Health and Genetics/Laboratory Corporation of America, LabCorp).